The following is an entry in ClinVar:

NM_170606.3(KMT2C):c.11874G>C (p.Leu3958Phe)

Gene: KMT2C (lysine methyltransferase 2C; minus strand). Cytogenetic location: 7q36.1.
Variant type: single nucleotide variant.
Coding change: c.11874G>C on transcript NM_170606.3 (MANE Select); coding-DNA position 11874, G replaced by C.
Protein change: p.Leu3958Phe; replaces leucine 3958 with phenylalanine.
Molecular consequence: missense variant.
Genome position (GRCh38, 1-based): chr7:152,155,996, C>G on the plus strand (G>C on the coding strand, the complement: KMT2C is on the minus strand). VCF-style: chr7-152155996-C-G. GRCh37 (hg19) VCF-style: chr7-151853081-C-G.
Other names: short protein forms L3958F.
Identifiers: ClinVar variation 4072757 (VCV004072757.1).

ClinVar aggregate classification (germline): Uncertain significance (1 of 4 stars; one submission).

gnomAD v4.1: 1 of 1,609,986 alleles (0.000062%); no homozygotes.

Submission:

GeneDx
Classification: Uncertain significance. Last evaluated: 2025-01-31. Review status: criteria provided, single submitter. Criteria: GeneDx Variant Classification Process June 2021. Collection method: clinical testing. Allele origin: germline. Affected: yes.
Comment: Not observed at significant frequency in large population cohorts (gnomAD); In silico analysis supports that this missense variant has a deleterious effect on protein structure/function; Has not been previously published as pathogenic or benign to our knowledge